The following is an entry in ClinVar:

ClinVar aggregate classification (germline): Benign. Review status: criteria provided, multiple submitters, no conflicts (2 of 4 stars). 2 submissions from 2 submitters: Benign (2). Last evaluated 2018-06-15.

Allele frequency attached by ClinVar (database versions not stated): TOPMed 0.95349; gnomAD 0.95903 and 0.95610; gnomAD exomes 0.99572; 1000 Genomes Project 30x 0.94816; 1000 Genomes Project 0.95208.
gnomAD v4.1: 1,011,418 of 1,021,596 alleles (99%); highest among the groups gnomAD compares: East Asian, 100%; 501,267 homozygotes.

Submissions (3):

GeneDx
Classification: Benign. Last evaluated: 2018-06-15. Review status: criteria provided, single submitter. Criteria: GeneDx Variant Classification (06012015). Collection method: clinical testing. Allele origin: germline. Affected: yes.
Comment: This variant is considered likely benign or benign based on one or more of the following criteria: it is a conservative change, it occurs at a poorly conserved position in the protein, it is predicted to be benign by multiple in silico algorithms, and/or has population frequency not consistent with disease.

Breakthrough Genomics
Classification: Benign. Review status: criteria provided, single submitter. Criteria: ACMG Guidelines, 2015. Collection method: not provided. Allele origin: germline. Inheritance: Autosomal dominant inheritance. Affected: yes.

Dr. Peter K. Rogan Lab, Western University
No classification provided (evidence only). Condition: Hepatocellular carcinoma. Review status: no classification provided. Collection method: in vitro. Allele origin: not applicable. Functional consequence: retained intron. Not counted in ClinVar's aggregate classification.

NM_001035.3(RYR2):c.8515-80C>A

Gene: RYR2 (ryanodine receptor 2; plus strand). Cytogenetic location: 1q43.
Variant type: single nucleotide variant.
Coding change: c.8515-80C>A on transcript NM_001035.3 (MANE Select); 80 bases into the intron before coding-DNA position 8515, C replaced by A.
Molecular consequence: intron variant.
Genome position (GRCh38, 1-based): chr1:237,667,803, C>A. VCF-style: chr1-237667803-C-A. GRCh37 (hg19) VCF-style: chr1-237831103-C-A.
Other names: NC_000001.10:g.237831103C>A.
Identifiers: ClinVar variation 671208 (VCV000671208.3), dbSNP rs477245, ClinGen allele CA39813807.